The following is an entry in ClinVar:

ClinVar aggregate classification (germline): Uncertain significance. Review status: criteria provided, multiple submitters, no conflicts (2 of 4 stars). 2 submissions from 2 submitters: Uncertain significance (2). Last evaluated 2025-07-07.

Conditions:
Developmental and epileptic encephalopathy, 13 (DEE13). Also called: Early infantile epileptic encephalopathy 13; SCN8A-Related Epilepsy; Developmental and Epileptic Encephalopathy (SCN8A-DEE). Identifiers: Orphanet 442835, MedGen C3281191, MONDO:0013801, OMIM 614558.
Seizures, benign familial infantile, 5 (BFIS5). Also called: CONVULSIONS, BENIGN FAMILIAL INFANTILE, 5. Identifiers: Orphanet 306, MedGen C4310728, MONDO:0014903, OMIM 617080.
Myoclonus, familial, 2. Identifiers: MedGen C5193056, MONDO:0100092, OMIM 618364.
Early-infantile DEE. Also called: Early infantile epileptic encephalopathy; Early infantile epileptic encephalopathy with suppression bursts; Ohtahara syndrome. Identifiers: Orphanet 1934, MedGen C0393706, MONDO:0800491.

Allele frequency attached by ClinVar (database versions not stated): gnomAD exomes below 0.00001 and 0.00001; TOPMed below 0.00001.
gnomAD v4.1: 8 of 1,608,618 alleles (0.0005%); no homozygotes.

Submissions (2):

Labcorp Genetics (formerly Invitae), Labcorp
Classification: Uncertain significance for Early-infantile DEE. Last evaluated: 2025-07-07. Review status: criteria provided, single submitter. Criteria: Invitae Variant Classification Sherloc (09022015). Collection method: clinical testing. Allele origin: germline.
Comment: This sequence change replaces glutamic acid, which is acidic and polar, with lysine, which is basic and polar, at codon 1145 of the SCN8A protein (p.Glu1145Lys). The frequency data for this variant in the population databases is considered unreliable, as metrics indicate poor data quality at this position in the gnomAD database. This variant has not been reported in the literature in individuals affected with SCN8A-related conditions. ClinVar contains an entry for this variant (Variation ID: 567631). Invitae Evidence Modeling of protein sequence and biophysical properties (such as structural, functional, and spatial information, amino acid conservation, physicochemical variation, residue mobility, and thermodynamic stability) indicates that this missense variant is not expected to disrupt SCN8A protein function with a negative predictive value of 95%. In summary, the available evidence is currently insufficient to determine the role of this variant in disease. Therefore, it has been classified as a Variant of Uncertain Significance.

New York Genome Center
Classification: Uncertain significance for Myoclonus, familial, 2; Developmental and epileptic encephalopathy, 13; Seizures, benign familial infantile, 5. Last evaluated: 2021-11-22. Review status: criteria provided, single submitter. Criteria: NYGC Assertion Criteria 2020. Collection method: clinical testing. Allele origin: inherited. Observed: 1 heterozygote. Study: CSER-NYCKidSeq.
Comment: The inherited c.3433G>A (p.Glu1145Lys) variant identified in the SCN8A gene substitutes a highly conserved Glutamic Acid for Lysine at amino acid 1145/1981 (coding exon 18/26). It is found with low frequency in gnomAD (1 heterozygous individual, no homozygous individuals; allele frequency:4.161e-6), and is absent in ExAC, suggesting it is not a common benign variant in the populations represented in these databases. In silico algorithms predict that this variant is deleterious (Provean; score: -2.62) and damaging (SIFT; score: 0.004) to the function of the canonical transcript. This variant is reported in ClinVar as a Variant of Uncertain Significance (VarID: 567631), and to our current knowledge has not been reported in affected individuals in the literature. The Glu1145 residue is within cytoplasmic loop2, and while not a hot spot of pathogenic variants in SCN8A, other clinically significant variants have been identified within this genomic region [PMID: 26029160]. Given the lack of compelling information regarding the pathogenicity of the inherited c.3433G>A (p.Glu1145Lys) variant it is reported here as a Varaint of Uncertain Significance.

NM_001330260.2(SCN8A):c.3433G>A (p.Glu1145Lys)

Gene: SCN8A (sodium voltage-gated channel alpha subunit 8; plus strand). Cytogenetic location: 12q13.13.
Variant type: single nucleotide variant.
Coding change: c.3433G>A on transcript NM_001330260.2 (MANE Select); coding-DNA position 3433, G replaced by A.
Protein change: p.Glu1145Lys; replaces glutamic acid 1145 with lysine.
Molecular consequence: missense variant.
Genome position (GRCh38, 1-based): chr12:51,769,928, G>A. VCF-style: chr12-51769928-G-A. GRCh37 (hg19) VCF-style: chr12-52163712-G-A.
Other names: c.3433G>A, p.Glu1145Lys (NM_001177984.3, NM_001369788.1, NM_014191.4); short protein forms E1145K.
Identifiers: ClinVar variation 567631 (VCV000567631.13), dbSNP rs1324401898, ClinGen allele CA384895371.